The following is an entry in ClinVar:

NM_004304.5(ALK):c.2165G>C (p.Gly722Ala)

Gene: ALK (ALK receptor tyrosine kinase; minus strand). Cytogenetic location: 2p23.2.
Variant type: single nucleotide variant.
Coding change: c.2165G>C on transcript NM_004304.5 (MANE Select); coding-DNA position 2165, G replaced by C.
Protein change: p.Gly722Ala; replaces glycine 722 with alanine.
Molecular consequence: missense variant.
Genome position (GRCh38, 1-based): chr2:29,251,144, C>G on the plus strand (G>C on the coding strand, the complement: ALK is on the minus strand). VCF-style: chr2-29251144-C-G. GRCh37 (hg19) VCF-style: chr2-29474010-C-G.
Other names: short protein forms G722A.
Identifiers: ClinVar variation 1519417 (VCV001519417.9), dbSNP rs140527448, ClinGen allele CA44650357.

ClinVar aggregate classification (germline): Uncertain significance. Review status: criteria provided, multiple submitters, no conflicts (2 of 4 stars). 2 submissions from 2 submitters: Uncertain significance (2). Last evaluated 2025-12-22.

Conditions:
Neuroblastoma, susceptibility to, 3. Also called: ALK-Related Neuroblastic Tumor Susceptibility. Identifiers: Orphanet 635, MedGen C2751681, MONDO:0013083, OMIM 613014.
Hereditary cancer-predisposing syndrome. Also called: Tumor predisposition; Hereditary neoplastic syndrome; Neoplastic Syndromes, Hereditary; Hereditary Cancer Syndrome. Identifiers: Orphanet 140162, MedGen C0027672, MeSH D009386, MONDO:0015356.

Allele frequency attached by ClinVar (database versions not stated): gnomAD exomes below 0.00001; TOPMed 0.00002; ESP Exome Variant Server 0.00008.
gnomAD v4.1: 1 of 1,614,142 alleles (0.000062%); highest among the groups gnomAD compares: Non-Finnish European, 0.000085%; no homozygotes.

Submissions (2):

Labcorp Genetics (formerly Invitae), Labcorp
Classification: Uncertain significance for Neuroblastoma, susceptibility to, 3. Last evaluated: 2025-12-22. Review status: criteria provided, single submitter. Criteria: Invitae Variant Classification Sherloc (09022015). Collection method: clinical testing. Allele origin: germline.
Comment: This sequence change replaces glycine, which is neutral and non-polar, with alanine, which is neutral and non-polar, at codon 722 of the ALK protein (p.Gly722Ala). This variant is present in population databases (rs140527448, gnomAD 0.0009%). This variant has not been reported in the literature in individuals affected with ALK-related conditions. ClinVar contains an entry for this variant (Variation ID: 1519417). An algorithm developed to predict the effect of missense changes on protein structure and function (PolyPhen-2) suggests that this variant is likely to be disruptive. In summary, the available evidence is currently insufficient to determine the role of this variant in disease. Therefore, it has been classified as a Variant of Uncertain Significance.

Ambry Genetics
Classification: Uncertain significance for Hereditary cancer-predisposing syndrome. Last evaluated: 2024-10-25. Review status: criteria provided, single submitter. Criteria: Ambry Variant Classification Scheme 2023. Collection method: clinical testing. Allele origin: germline.
Comment: The p.G722A variant (also known as c.2165G>C), located in coding exon 12 of the ALK gene, results from a G to C substitution at nucleotide position 2165. The glycine at codon 722 is replaced by alanine, an amino acid with similar properties. This amino acid position is conserved. In addition, this alteration is predicted to be deleterious by in silico analysis. Since supporting evidence is limited at this time, the clinical significance of this alteration remains unclear.